The following is an entry in ClinVar:

ClinVar aggregate classification (germline): Uncertain significance (1 of 4 stars; one submission).

gnomAD v4.1: 1 of 1,588,936 alleles (0.000063%); highest among the groups gnomAD compares: African/African-American, 0.0014%; no homozygotes.

Submission:

Labcorp Genetics (formerly Invitae), Labcorp
Classification: Uncertain significance. Last evaluated: 2022-10-13. Review status: criteria provided, single submitter. Criteria: Invitae Variant Classification Sherloc (09022015). Collection method: clinical testing. Allele origin: germline.
Comment: In summary, the available evidence is currently insufficient to determine the role of this variant in disease. Therefore, it has been classified as a Variant of Uncertain Significance. Algorithms developed to predict the effect of missense changes on protein structure and function are either unavailable or do not agree on the potential impact of this missense change (SIFT: "Tolerated"; PolyPhen-2: "Possibly Damaging"; Align-GVGD: "Class C0"). This sequence change replaces aspartic acid, which is acidic and polar, with glycine, which is neutral and non-polar, at codon 160 of the SKIV2L protein (p.Asp160Gly). This variant is not present in population databases (gnomAD no frequency). This variant has not been reported in the literature in individuals affected with SKIV2L-related conditions.

NM_006929.5(SKIC2):c.479A>G (p.Asp160Gly)

Gene: SKIC2 (SKI2 subunit of superkiller complex; plus strand). Cytogenetic location: 6p21.33.
Variant type: single nucleotide variant.
Coding change: c.479A>G on transcript NM_006929.5 (MANE Select); coding-DNA position 479, A replaced by G.
Protein change: p.Asp160Gly; replaces aspartic acid 160 with glycine.
Molecular consequence: missense variant.
Genome position (GRCh38, 1-based): chr6:31,960,675, A>G. VCF-style: chr6-31960675-A-G. GRCh37 (hg19) VCF-style: chr6-31928452-A-G.
Other names: short protein forms D160G.
Identifiers: ClinVar variation 2010981 (VCV002010981.4), dbSNP rs752004431, ClinGen allele CA363440212.
Genomic context (GRCh38, chr6:31,960,675, plus strand): 5'-TCTCGTATTACCCTCATCCCATGAATCCCTGTCTGTCCTGTCTCTTCCCAGGGGGGATGG[A>G]TGAACCCACCATAACAGATCTGAACACACGGGAGGAGGCTGAGGAGGAGATAGACTTTGA-3'
Protein context (NP_008860.4, residues 150-170): TQYPFWPGGM[Asp160Gly]EPTITDLNTR